The following is an entry in ClinVar:

NM_001130987.2(DYSF):c.884A>G (p.Asn295Ser)

Gene: DYSF (dysferlin; plus strand). Cytogenetic location: 2p13.2.
Variant type: single nucleotide variant.
Coding change: c.884A>G on transcript NM_001130987.2 (MANE Select); coding-DNA position 884, A replaced by G.
Protein change: p.Asn295Ser; replaces asparagine 295 with serine.
Molecular consequence: missense variant.
Genome position (GRCh38, 1-based): chr2:71,515,747, A>G. VCF-style: chr2-71515747-A-G. GRCh37 (hg19) VCF-style: chr2-71742877-A-G.
Other names: c.791A>G, p.Asn264Ser (NM_001130455.2, NM_001130983.2, NM_001130984.2 and 1 more transcripts); c.788A>G, p.Asn263Ser (NM_001130976.2, NM_001130977.2, NM_001130978.2 and 1 more transcripts); c.881A>G, p.Asn294Ser (NM_001130979.2, NM_001130980.2, NM_001130981.2); c.884A>G, p.Asn295Ser (NM_001130982.2, NM_001130985.2); short protein forms N263S, N295S, N264S, N294S.
Identifiers: ClinVar variation 538634 (VCV000538634.17), dbSNP rs777785781, ClinGen allele CA1705487.

ClinVar aggregate classification (germline): Uncertain significance. Review status: criteria provided, multiple submitters, no conflicts (2 of 4 stars). 8 submissions from 6 submitters: Uncertain significance (7). 1 of the submissions does not count toward it. Last evaluated 2026-01-14.

Conditions:
Neuromuscular disease caused by qualitative or quantitative defects of dysferlin. Also called: Dysferlinopathy; Qualitative or quantitative defects of dysferlin. Identifiers: Orphanet 207073, MedGen C2931687, MONDO:0016145.
Autosomal recessive limb-girdle muscular dystrophy type 2B (LGMDR2). Also called: Limb-girdle muscular dystrophy, type 2B; MUSCULAR DYSTROPHY, LIMB-GIRDLE, TYPE 3; Limb-Girdle Muscular Dystrophy Type 2B (LGMD2B); MUSCULAR DYSTROPHY, LIMB-GIRDLE, AUTOSOMAL RECESSIVE 2. Identifiers: Orphanet 268, MedGen C1850889, MONDO:0009676, OMIM 253601.
Miyoshi muscular dystrophy 1 (MMD1). Identifiers: Orphanet 45448, MedGen C4551973, MONDO:0024545, OMIM 254130.
Distal myopathy with anterior tibial onset. Identifiers: Orphanet 178400, MedGen C1847532, MONDO:0011721, OMIM 606768.

Allele frequency attached by ClinVar (database versions not stated): gnomAD 0.00001; TOPMed 0.00002; ExAC 0.00003; gnomAD exomes 0.00003.
gnomAD v4.1: 24 of 1,614,016 alleles (0.0015%); highest among the groups gnomAD compares: Non-Finnish European, 0.0017%; no homozygotes.

Submissions (8):

GeneDx
Classification: Uncertain significance. Last evaluated: 2026-01-14. Review status: criteria provided, single submitter. Criteria: GeneDx Variant Classification Process June 2021. Collection method: clinical testing. Allele origin: germline. Affected: yes.
Comment: In silico analysis suggests this variant may impact gene splicing. In the absence of RNA/functional studies, the actual effect of this sequence change is unknown.; In silico analysis suggests that this missense variant does not alter protein structure/function; Has not been previously published as pathogenic or benign to our knowledge; Not observed at significant frequency in large population cohorts (gnomAD); This variant is associated with the following publications: (PMID: 33059327, 24438169)

Labcorp Genetics (formerly Invitae), Labcorp
Classification: Uncertain significance for Neuromuscular disease caused by qualitative or quantitative defects of dysferlin. Last evaluated: 2022-10-28. Review status: criteria provided, single submitter. Criteria: Invitae Variant Classification Sherloc (09022015). Collection method: clinical testing. Allele origin: germline.
Comment: This sequence change replaces asparagine, which is neutral and polar, with serine, which is neutral and polar, at codon 263 of the DYSF protein (p.Asn263Ser). This variant is present in population databases (rs777785781, gnomAD 0.006%). This variant has not been reported in the literature in individuals affected with DYSF-related conditions. ClinVar contains an entry for this variant (Variation ID: 538634). Advanced modeling of protein sequence and biophysical properties (such as structural, functional, and spatial information, amino acid conservation, physicochemical variation, residue mobility, and thermodynamic stability) performed at Invitae indicates that this missense variant is not expected to disrupt DYSF protein function. Algorithms developed to predict the effect of sequence changes on RNA splicing suggest that this variant may create or strengthen a splice site. In summary, the available evidence is currently insufficient to determine the role of this variant in disease. Therefore, it has been classified as a Variant of Uncertain Significance.

Genome-Nilou Lab
Classification: Uncertain significance for Miyoshi muscular dystrophy 1. Last evaluated: 2021-07-14. Review status: criteria provided, single submitter. Criteria: ACMG Guidelines, 2015. Collection method: clinical testing. Allele origin: germline. Affected: no.

Genome-Nilou Lab
Classification: Uncertain significance for Autosomal recessive limb-girdle muscular dystrophy type 2B. Last evaluated: 2021-07-14. Review status: criteria provided, single submitter. Criteria: ACMG Guidelines, 2015. Collection method: clinical testing. Allele origin: germline. Affected: no.

Genome-Nilou Lab
Classification: Uncertain significance for Distal myopathy with anterior tibial onset. Last evaluated: 2021-07-14. Review status: criteria provided, single submitter. Criteria: ACMG Guidelines, 2015. Collection method: clinical testing. Allele origin: germline. Affected: no.

Revvity Omics, Revvity
Classification: Uncertain significance. Last evaluated: 2019-06-26. Review status: criteria provided, single submitter. Criteria: ACMG Guidelines, 2015. Collection method: clinical testing. Allele origin: germline.

Broad Center for Mendelian Genomics, Broad Institute of MIT and Harvard
Classification: Uncertain significance for Autosomal recessive limb-girdle muscular dystrophy type 2B. Last evaluated: 2018-12-03. Review status: criteria provided, single submitter. Criteria: ACMG Guidelines, 2015. Collection method: research. Allele origin: germline. Inheritance: Autosomal recessive inheritance. Affected: yes.
Comment: This variant has been identified in 0.006% (7/111676) of European (non-Finnish) chromosomes and 0.018% (1/5484) of other chromosomes by the Genome Aggregation Database (gnomAD; dbSNP rs777785781). Although this variant has been seen in the general population, its frequency is low enough to be consistent with a recessive carrier frequency. Computational prediction tools and conservation analyses do not provide strong support for or against an impact to the protein. However, some computational tools predict an impact on splicing. In summary, the clinical significance of the p.Asn295Ser variant is uncertain. ACMG/AMP Criteria applied: PM2, BP5 (Richards 2015).

Natera, Inc.
Classification: Uncertain significance for Limb-girdle muscular dystrophy type 2B. Last evaluated: 2019-10-28. Review status: no assertion criteria provided. Collection method: clinical testing. Allele origin: germline. Not counted in ClinVar's aggregate classification.